The following is an entry in ClinVar:

ClinVar aggregate classification (germline): Uncertain significance. Review status: criteria provided, multiple submitters, no conflicts (2 of 4 stars). 3 submissions from 3 submitters: Uncertain significance (3). Last evaluated 2025-04-08.

Conditions:
RASopathy. Also called: rasopathies; Noonan spectrum disorder. Identifiers: Orphanet 536391, MedGen C5555857, MONDO:0021060.

Allele frequency attached by ClinVar (database versions not stated): TOPMed 0.00001.
gnomAD v4.1: 1 of 1,582,114 alleles (0.000063%); highest among the groups gnomAD compares: Admixed American, 0.0018%; no homozygotes.

Submissions (3):

GeneDx
Classification: Uncertain significance. Last evaluated: 2025-04-08. Review status: criteria provided, single submitter. Criteria: GeneDx Variant Classification Process June 2021. Collection method: clinical testing. Allele origin: germline. Affected: yes.
Comment: Not observed at significant frequency in large population cohorts (gnomAD); Missense variants in this gene are a common cause of disease and they are underrepresented in the general population; In silico analysis supports that this missense variant has a deleterious effect on protein structure/function; Has not been previously published as pathogenic or benign to our knowledge

Labcorp Genetics (formerly Invitae), Labcorp
Classification: Uncertain significance for RASopathy. Last evaluated: 2023-03-01. Review status: criteria provided, single submitter. Criteria: Invitae Variant Classification Sherloc (09022015). Collection method: clinical testing. Allele origin: germline.
Comment: This variant is not present in population databases (gnomAD no frequency). This variant has not been reported in the literature in individuals affected with MAP2K2-related conditions. This sequence change replaces glycine, which is neutral and non-polar, with cysteine, which is neutral and slightly polar, at codon 180 of the MAP2K2 protein (p.Gly180Cys). In summary, the available evidence is currently insufficient to determine the role of this variant in disease. Therefore, it has been classified as a Variant of Uncertain Significance. Advanced modeling of protein sequence and biophysical properties (such as structural, functional, and spatial information, amino acid conservation, physicochemical variation, residue mobility, and thermodynamic stability) performed at Invitae indicates that this missense variant is expected to disrupt MAP2K2 protein function. ClinVar contains an entry for this variant (Variation ID: 1677409).

AiLife Diagnostics
Classification: Uncertain significance. Last evaluated: 2021-07-30. Review status: criteria provided, single submitter. Criteria: ACMG Guidelines, 2015. Collection method: clinical testing. Allele origin: germline. Affected: yes. Observed: 1 variant allele.

NM_030662.4(MAP2K2):c.538G>T (p.Gly180Cys)

Gene: MAP2K2 (mitogen-activated protein kinase kinase 2; minus strand). Cytogenetic location: 19p13.3.
Variant type: single nucleotide variant.
Coding change: c.538G>T on transcript NM_030662.4 (MANE Select); coding-DNA position 538, G replaced by T.
Protein change: p.Gly180Cys; replaces glycine 180 with cysteine.
Molecular consequence: missense variant.
Genome position (GRCh38, 1-based): chr19:4,101,271, C>A on the plus strand (G>T on the coding strand, the complement: MAP2K2 is on the minus strand). VCF-style: chr19-4101271-C-A. GRCh37 (hg19) VCF-style: chr19-4101269-C-A.
Other names: c.538G>T (NM_030662.3); short protein forms G180C.
Identifiers: ClinVar variation 1677409 (VCV001677409.5), dbSNP rs1336312423, ClinGen allele CA403389046.